The following is an entry in ClinVar:

ClinVar aggregate classification (germline): Uncertain significance. Review status: criteria provided, multiple submitters, no conflicts (2 of 4 stars). 3 submissions from 3 submitters: Uncertain significance (3). Last evaluated 2025-03-04.

Conditions:
Ehlers-Danlos syndrome (EDS). Identifiers: Orphanet 98249, MedGen C0013720, MONDO:0020066.

Allele frequency attached by ClinVar (database versions not stated): gnomAD exomes 0.00008 and 0.00002; TOPMed 0.00002; gnomAD 0.00001.
gnomAD v4.1: 106 of 1,550,210 alleles (0.0068%); highest among the groups gnomAD compares: Non-Finnish European, 0.0092%; no homozygotes.

Submissions (3):

Mayo Clinic Laboratories, Mayo Clinic
Classification: Uncertain significance. Last evaluated: 2025-03-04. Review status: criteria provided, single submitter. Criteria: ACMG Guidelines, 2015. Collection method: clinical testing. Allele origin: germline. Observed: 1 variant allele.
Comment: BP4_moderate, PM2_supporting

Genome Diagnostics Laboratory, The Hospital for Sick Children
Classification: Uncertain significance for Ehlers-Danlos syndrome. Last evaluated: 2020-03-01. Review status: criteria provided, single submitter. Criteria: ACMG Guidelines, 2015. Collection method: clinical testing. Allele origin: germline.

GeneDx
Classification: Uncertain significance. Last evaluated: 2019-06-17. Review status: criteria provided, single submitter. Criteria: GeneDx Variant Classification Process June 2021. Collection method: clinical testing. Allele origin: germline. Affected: yes.
Comment: Not observed at a significant frequency in large population cohorts (Lek et al., 2016)

NM_001367624.2(ZNF469):c.7900A>G (p.Lys2634Glu)

Gene: ZNF469 (zinc finger protein 469; plus strand). Cytogenetic location: 16q24.2.
Variant type: single nucleotide variant.
Coding change: c.7900A>G on transcript NM_001367624.2 (MANE Select); coding-DNA position 7900, A replaced by G.
Protein change: p.Lys2634Glu; replaces lysine 2634 with glutamic acid.
Molecular consequence: missense variant.
Genome position (GRCh38, 1-based): chr16:88,435,370, A>G. VCF-style: chr16-88435370-A-G. GRCh37 (hg19) VCF-style: chr16-88501778-A-G.
Other names: NM_001127464.1:c.7816A>G; NM_001127464.2:c.7816A>G; p.Lys2634Glu; short protein forms K2634E.
Identifiers: ClinVar variation 1302602 (VCV001302602.6), dbSNP rs998144294, ClinGen allele CA286383244.
Genomic context (GRCh38, chr16:88,435,370, plus strand): 5'-AGGTGGCGCCGAGAGCCCACCGTGGACTCTCCTAGCCACTCAGAGGGGAAGTCAAATAAG[A>G]AAAGGGGAAAGCTGAGAGGGAGAAGGCTCCGGGAGGAGAGCATTCTTCCAGTCTCTGCTG-3'
Protein context (NP_001354553.1, residues 2624-2644): PSHSEGKSNK[Lys2634Glu]RGKLRGRRLR